The following is an entry in ClinVar:

NM_001034853.2(RPGR):c.296C>A (p.Thr99Asn)

Gene: RPGR (retinitis pigmentosa GTPase regulator; minus strand). Cytogenetic location: Xp11.4.
Variant type: single nucleotide variant.
Coding change: c.296C>A on transcript NM_001034853.2 (MANE Select); coding-DNA position 296, C replaced by A.
Protein change: p.Thr99Asn; replaces threonine 99 with asparagine.
Molecular consequence: missense variant. On other transcripts: non-coding transcript variant (6).
Genome position (GRCh38, 1-based): chrX:38,321,041, G>T on the plus strand (C>A on the coding strand, the complement: RPGR is on the minus strand). VCF-style: chrX-38321041-G-T. GRCh37 (hg19) VCF-style: chrX-38180294-G-T.
Other names: c.296C>A, p.Thr99Asn (NM_000328.3, NM_001367245.1, NM_001367246.1 and 4 more transcripts); c.326C>A, p.Thr109Asn (NM_001367248.1); short protein forms T99N, T109N.
Identifiers: ClinVar variation 9906 (VCV000009906.2), dbSNP rs62638637, ClinGen allele CA226407.

ClinVar aggregate classification (germline): Likely pathogenic. Review status: reviewed by expert panel (3 of 4 stars). 3 submissions from 3 submitters: Likely pathogenic (1). 2 of the submissions do not count toward it. Last evaluated 2026-10-30.

Conditions:
RPGR-related retinopathy. Also called: RPGR retinopathy. Identifiers: MedGen CN305589, MONDO:0100437.
Retinitis pigmentosa 3. Also called: CHOROIDORETINAL DEGENERATION WITH RETINAL REFLEX IN HETEROZYGOUS WOMEN. Identifiers: Orphanet 791, MedGen C1845667, MONDO:0010227, OMIM 300029.

Submissions (3):

ClinGen X-linked Inherited Retinal Disease Variant Curation Expert Panel, ClinGen
Classification: Likely pathogenic for RPGR-related retinopathy. Last evaluated: 2026-10-30. Review status: reviewed by expert panel. Criteria: ClinGen X LinkedIRD ACMG Specifications RPGR V1.0.0. Collection method: curation. Allele origin: germline. Inheritance: X-linked inheritance.
Comment: NM_001034853.2(RPGR):c.296C>A (p.Thr99Asn) is a missense variant predicted to cause substitution of threonine by asparagine at amino acid 99. Another missense variant in the same codon, NM_001034853.2(RPGR):c.296C>T (p.Thr99Ile), (PMID: 21857984) has been classified as likely pathogenic for RPGR-related retinopathy by the ClinGen X-linked IRD VCEP, while no benign missense variants have been identified in this codon. However, the present variant has a lower Grantham’s distance (65) than the comparison variant (89), so PM5_Supporting was not met. This variant is absent from gnomAD v4.1.2 (PM2_Supporting). This variant has been reported in at least 3 apparently unrelated probands meeting one of the PS4 requirements of some functional vision impairment in affected males by age 30 years, and/or decreased or absent cone and/or rod electroretinogram responses (PMIDs: 10482958, 32702353, PS4_Moderate). The variant has been reported to segregate with retinal dystrophy through at least 5 affected meioses from 1 family (PP1_Moderate, PMID: 10482958). The computational predictor REVEL gives a score of 0.723, which is between the ClinGen X-linked IRD VCEP threshold of 0.644 to 0.773 and predicts a damaging effect on RPGR function (PP3). The computational splicing predictor SpliceAI gives a delta score of 0.03 for acceptor gain, which is below the ClinGen X-linked IRD VCEP threshold of greater than or equal to 0.2 and does not predict that the variant disrupts RPGR splicing. Exogenously expressed RPGR harboring the variant exhibits reduced interaction with RPGRIP1 in a yeast-2-hybrid experiment (PMID: 23213406, PS3_Supporting). In summary, this variant is classified as Likely Pathogenic for RPGR-related retinopathy based on the ClinGen X-linked Inherited Retinal Disease Expert Panel Specifications to the ACMG/AMP Variant Interpretation Guidelines for RPGR Version 1.0.0: PM2_Supporting, PS4_Moderate, PP1_Moderate, PP3, and PS3_Supporting.

OMIM
Classification: Pathogenic for RETINITIS PIGMENTOSA 3. Last evaluated: 1999-09-01. Review status: no assertion criteria provided. Collection method: literature only. Allele origin: germline. Not counted in ClinVar's aggregate classification.

Retina International
No classification provided. Review status: no classification provided. Collection method: not provided. Allele origin: not provided. Not counted in ClinVar's aggregate classification.

Literature cited by the submitters: PubMed 10482958 (cited by OMIM).